The following is an entry in ClinVar:

ClinVar aggregate classification (germline): Uncertain significance. Review status: criteria provided, multiple submitters, no conflicts (2 of 4 stars). 3 submissions from 3 submitters: Uncertain significance (2). 1 of the submissions does not count toward it. Last evaluated 2025-09-17.

Conditions:
Hereditary cancer-predisposing syndrome. Also called: Hereditary neoplastic syndrome; Tumor predisposition; Hereditary Cancer Syndrome; Neoplastic Syndromes, Hereditary. Identifiers: Orphanet 140162, MedGen C0027672, MeSH D009386, MONDO:0015356.
Ataxia-telangiectasia syndrome (AT). Also called: Cerebello-oculocutaneous telangiectasia; Immunodeficiency with ataxia telangiectasia; Ataxia telangiectasia (A-T); Ataxia-telangiectasia, complementation group E; LOUIS-BAR SYNDROME; Ataxia-telangiectasia. Identifiers: Orphanet 100, MedGen C0004135, MONDO:0008840, OMIM 208900.

Allele frequency attached by ClinVar (database versions not stated): gnomAD exomes below 0.00001; TOPMed 0.00001.

Submissions (3):

Ambry Genetics
Classification: Uncertain significance for Hereditary cancer-predisposing syndrome. Last evaluated: 2025-09-17. Review status: criteria provided, single submitter. Criteria: Ambry Variant Classification Scheme 2023. Collection method: clinical testing. Allele origin: germline.
Comment: The p.T1284R variant (also known as c.3851C>G), located in coding exon 25 of the ATM gene, results from a C to G substitution at nucleotide position 3851. The threonine at codon 1284 is replaced by arginine, an amino acid with similar properties. This amino acid position is poorly conserved in available vertebrate species. In addition, this alteration is predicted to be tolerated by in silico analysis. Since supporting evidence is limited at this time, the clinical significance of this alteration remains unclear.

Labcorp Genetics (formerly Invitae), Labcorp
Classification: Uncertain significance for Ataxia-telangiectasia syndrome. Last evaluated: 2025-07-31. Review status: criteria provided, single submitter. Criteria: Invitae Variant Classification Sherloc (09022015). Collection method: clinical testing. Allele origin: germline.
Comment: This sequence change replaces threonine, which is neutral and polar, with arginine, which is basic and polar, at codon 1284 of the ATM protein (p.Thr1284Arg). This variant is present in population databases (no rsID available, gnomAD 0.01%). This variant has not been reported in the literature in individuals affected with ATM-related conditions. ClinVar contains an entry for this variant (Variation ID: 578117). Invitae Evidence Modeling of protein sequence and biophysical properties (such as structural, functional, and spatial information, amino acid conservation, physicochemical variation, residue mobility, and thermodynamic stability) indicates that this missense variant is not expected to disrupt ATM protein function with a negative predictive value of 95%. In summary, the available evidence is currently insufficient to determine the role of this variant in disease. Therefore, it has been classified as a Variant of Uncertain Significance.

Natera, Inc.
Classification: Uncertain significance for Ataxia-telangiectasia. Last evaluated: 2020-08-05. Review status: no assertion criteria provided. Collection method: clinical testing. Allele origin: germline. Not counted in ClinVar's aggregate classification.

NM_000051.4(ATM):c.3851C>G (p.Thr1284Arg)

Gene: ATM (ATM serine/threonine kinase; plus strand). Cytogenetic location: 11q22.3.
Variant type: single nucleotide variant.
Coding change: c.3851C>G on transcript NM_000051.4 (MANE Select); coding-DNA position 3851, C replaced by G.
Protein change: p.Thr1284Arg; replaces threonine 1284 with arginine.
Molecular consequence: missense variant.
Genome position (GRCh38, 1-based): chr11:108,284,331, C>G. VCF-style: chr11-108284331-C-G. GRCh37 (hg19) VCF-style: chr11-108155058-C-G.
Other names: c.3851C>G, p.Thr1284Arg (NM_001351834.2); short protein forms T1284R.
Identifiers: ClinVar variation 578117 (VCV000578117.16), dbSNP rs1200767902, ClinGen allele CA382525185.